The following is an entry in ClinVar:

NM_015046.7(SETX):c.7736T>C (p.Val2579Ala)

Gene: SETX (senataxin; minus strand). Cytogenetic location: 9q34.13.
Variant type: single nucleotide variant.
Coding change: c.7736T>C on transcript NM_015046.7 (MANE Select); coding-DNA position 7736, T replaced by C.
Protein change: p.Val2579Ala; replaces valine 2579 with alanine.
Molecular consequence: missense variant.
Genome position (GRCh38, 1-based): chr9:132,264,537, A>G on the plus strand (T>C on the coding strand, the complement: SETX is on the minus strand). VCF-style: chr9-132264537-A-G. GRCh37 (hg19) VCF-style: chr9-135139924-A-G.
Other names: c.7736T>C, p.Val2579Ala (NM_001351527.2); c.7823T>C, p.Val2608Ala (NM_001351528.2); short protein forms V2579A, V2608A.
Identifiers: ClinVar variation 3239599 (VCV003239599.19), dbSNP rs2131112014.
Genomic context (GRCh38, chr9:132,264,537, plus strand): 5'-CTGCTCAGAGCAGCCACTACAGCAGCGGGCTGCTGTATATGGCTCAGGTCCTGGTGAACG[A>G]CAGGGAAGCCCGGCTCGCCCGTAGGAGGTGTTGCTCCAGGATGCTGGGGGCTCGAGGGTT-3'
Protein context (NP_055861.3, residues 2569-2589): TPPTGEPGFP[Val2579Ala]VHQDLSHIQQ

ClinVar aggregate classification (germline): Uncertain significance (1 of 4 stars; one submission).

Allele frequency attached by ClinVar (database versions not stated): gnomAD exomes below 0.00001.
gnomAD v4.1: 2 of 1,614,038 alleles (0.00012%); highest among the groups gnomAD compares: Non-Finnish European, 0.00017%; no homozygotes.

Submission:

CeGaT Center for Human Genetics Tuebingen
Classification: Uncertain significance. Last evaluated: 2024-05-01. Review status: criteria provided, single submitter. Criteria: CeGaT Center For Human Genetics Tuebingen Variant Classification Criteria Version 2. Collection method: clinical testing. Allele origin: germline. Affected: yes. Observed: 1 variant allele.
Comment: SETX: PM2